The following is an entry in ClinVar:

ClinVar aggregate classification (germline): Benign/Likely benign. Review status: criteria provided, multiple submitters, no conflicts (2 of 4 stars). 4 submissions from 4 submitters: Benign (1); Likely benign (3). Last evaluated 2026-09-01.

Allele frequency attached by ClinVar (database versions not stated): ExAC 0.00993; 1000 Genomes Project 0.00439; TOPMed 0.00703; gnomAD exomes 0.00857; gnomAD 0.00868 and 0.00877; ESP Exome Variant Server 0.00984.
gnomAD v4.1: 17,165 of 1,607,288 alleles (1.1%); highest among the groups gnomAD compares: Non-Finnish European, 1.2%; 114 homozygotes.

Submissions (4):

CeGaT Center for Human Genetics Tuebingen
Classification: Benign. Last evaluated: 2026-09-01. Review status: criteria provided, single submitter. Criteria: CeGaT Center For Human Genetics Tuebingen Variant Classification Criteria Version 2. Collection method: clinical testing. Allele origin: germline. Affected: yes. Observed: 86 variant alleles.
Comment: MBOAT7: BP4, BS1, BS2

Genomic Medicine Center of Excellence, King Faisal Specialist Hospital and Research Centre
Classification: Likely benign. Last evaluated: 2025-08-18. Review status: criteria provided, single submitter. Criteria: ACMG Guidelines, 2015. Collection method: clinical testing. Allele origin: germline.

Center for Pediatric Genomic Medicine, Children's Mercy Hospital and Clinics
Classification: Likely benign. Last evaluated: 2017-07-10. Review status: criteria provided, single submitter. Criteria: ACMG Guidelines, 2015. Collection method: clinical testing. Allele origin: germline.

Breakthrough Genomics
Classification: Likely benign. Review status: criteria provided, single submitter. Criteria: ACMG Guidelines, 2015. Collection method: not provided. Allele origin: germline. Inheritance: Autosomal recessive inheritance. Affected: yes.

NM_024298.5(MBOAT7):c.1364G>A (p.Arg455Gln)

Gene: MBOAT7 (membrane bound acylglycerophosphatidylinositol O-acyltransferase MBOAT7; minus strand). Cytogenetic location: 19q13.42.
Variant type: single nucleotide variant.
Coding change: c.1364G>A on transcript NM_024298.5 (MANE Select); coding-DNA position 1364, G replaced by A.
Protein change: p.Arg455Gln; replaces arginine 455 with glutamine.
Molecular consequence: missense variant.
Genome position (GRCh38, 1-based): chr19:54,174,099, C>T on the plus strand (G>A on the coding strand, the complement: MBOAT7 is on the minus strand). VCF-style: chr19-54174099-C-T. GRCh37 (hg19) VCF-style: chr19-54677793-C-T.
Other names: c.1145G>A, p.Arg382Gln (NM_001146056.3, NM_001146083.3); short protein forms R455Q, R382Q.
Identifiers: ClinVar variation 445662 (VCV000445662.34), dbSNP rs79199039, ClinGen allele CA309345186.